The following is an entry in ClinVar:

NM_001365951.3(KIF1B):c.5180G>A (p.Arg1727Gln)

Gene: KIF1B (kinesin family member 1B; plus strand). Cytogenetic location: 1p36.22.
Variant type: single nucleotide variant.
Coding change: c.5180G>A on transcript NM_001365951.3 (MANE Select); coding-DNA position 5180, G replaced by A.
Protein change: p.Arg1727Gln; replaces arginine 1727 with glutamine.
Molecular consequence: missense variant.
Genome position (GRCh38, 1-based): chr1:10,374,937, G>A. VCF-style: chr1-10374937-G-A. GRCh37 (hg19) VCF-style: chr1-10434995-G-A.
Other names: c.5180G>A, p.Arg1727Gln (NM_001365952.1); c.5042G>A, p.Arg1681Gln (NM_015074.3); short protein forms R1681Q, R1727Q.
Identifiers: ClinVar variation 1744959 (VCV001744959.3), dbSNP rs969290629, ClinGen allele CA17856371.

ClinVar aggregate classification (germline): Uncertain significance (1 of 4 stars; one submission).

Allele frequency attached by ClinVar (database versions not stated): gnomAD 0.00001; gnomAD exomes 0.00001; TOPMed 0.00001.
gnomAD v4.1: 6 of 1,613,896 alleles (0.00037%); highest among the groups gnomAD compares: Non-Finnish European, 0.00042%; no homozygotes.

Submission:

Ambry Genetics
Classification: Uncertain significance. Last evaluated: 2025-06-16. Review status: criteria provided, single submitter. Criteria: Ambry Variant Classification Scheme 2023. Collection method: clinical testing. Allele origin: germline.
Comment: The p.R1681Q variant (also known as c.5042G>A), located in coding exon 44 of the KIF1B gene, results from a G to A substitution at nucleotide position 5042. The arginine at codon 1681 is replaced by glutamine, an amino acid with highly similar properties. This amino acid position is highly conserved in available vertebrate species. In addition, the in silico prediction for this alteration is inconclusive. Since supporting evidence is limited at this time, the clinical significance of this alteration remains unclear.